The following is an entry in ClinVar:

NM_000204.5(CFI):c.786del (p.Gly263fs)

Gene: CFI (complement factor I; minus strand). Cytogenetic location: 4q25.
Variant type: Deletion.
Coding change: c.786del on transcript NM_000204.5 (MANE Select); coding-DNA position 786, one base deleted (A; older notation c.786delA).
Protein change: p.Gly263fs; shifts the reading frame from glycine 263.
Molecular consequence: frameshift variant. On other transcripts: non-coding transcript variant (3).
Genome position (GRCh38, 1-based): chr4:109,760,367, T deleted on the plus strand (A on the coding strand, the reverse complement: CFI is on the minus strand); the first of 3 consecutive T bases (chr4:109,760,367-109,760,369); deleting any one gives the same sequence. VCF-style (leftmost placement, unchanged base first): chr4-109760366-CT-C. GRCh37 (hg19) VCF-style: chr4-110681522-CT-C.
Other names: c.786del, p.Gly263fs (NM_001318057.2, NM_001331035.2, NM_001375278.1 and 5 more transcripts); c.177del, p.Gly60fs (NM_001375284.1); short protein forms G263fs, G60fs.
Identifiers: ClinVar variation 1162967 (VCV001162967.9), dbSNP rs760688154, ClinGen allele CA3042164.
Genomic context (GRCh38, chr4:109,760,366, plus strand): 5'-CCACCTCACCATTGCATTGATACTGGCTTGGAATGCAAACACCCGATTTGCAATGGAAGC[CT>C]TTGCCTTGGCATGCTGTGCAAACATAAGCAGGAGAGGTTTTTTTCATTCCTTAAAGTTGA-3'

ClinVar aggregate classification (germline): Pathogenic. Review status: criteria provided, multiple submitters, no conflicts (2 of 4 stars). 3 submissions from 3 submitters: Pathogenic (3). Last evaluated 2025-09-26.

Conditions:
CFI-related disorder. Also called: CFI-related condition; CFI-related disorders. Identifiers: MedGen CN239325.

Submissions (3):

Genomenon, Inc
Classification: Pathogenic for CFI-related disorder. Last evaluated: 2025-09-26. Review status: criteria provided, single submitter. Criteria: Genomenon Sequence Variant Interpretation Standards - Updated. Collection method: curation. Allele origin: germline. Affected: yes.
Comment: CFI p.Gly263AlafsTer37 (c.786del) is a frameshift variant that results in the production of a truncated protein which is predicted to undergo nonsense-mediated mRNA decay. This variant has been observed in at least one proband affected with a CFI-related disorder (PMID:35619721;20016463;32640035). It has been observed in trans with a pathogenic/likely pathogenic variant (PMID:32640035). At least one functional study has demonstrated a substantial alteration in protein function relative to the wild-type (PMID:20016463). It is absent or not present at a significant frequency in gnomAD. In conclusion, we classify CFI p.Gly263AlafsTer37 (c.786del) as a pathogenic variant.

Labcorp Genetics (formerly Invitae), Labcorp
Classification: Pathogenic. Last evaluated: 2023-12-25. Review status: criteria provided, single submitter. Criteria: Invitae Variant Classification Sherloc (09022015). Collection method: clinical testing. Allele origin: germline.
Comment: This sequence change creates a premature translational stop signal (p.Gly263Alafs*45) in the CFI gene. It is expected to result in an absent or disrupted protein product. Loss-of-function variants in CFI are known to be pathogenic (PMID: 15917334, 16621965, 19065647, 20016463, 22710145). This variant is present in population databases (rs760688154, gnomAD 0.004%). This premature translational stop signal has been observed in individual(s) with hemolytic uremic syndrome (PMID: 20016463). This variant is also known as c.784delA (p.G243fsX46). ClinVar contains an entry for this variant (Variation ID: 1162967). For these reasons, this variant has been classified as Pathogenic.

Mayo Clinic Laboratories, Mayo Clinic
Classification: Pathogenic. Last evaluated: 2019-07-15. Review status: criteria provided, single submitter. Criteria: ACMG Guidelines, 2015. Collection method: clinical testing. Allele origin: germline. Observed: 1 variant allele.
Comment: PVS1, PS3_Supporting, PS4_Moderate

Literature cited by the submitters: PubMed 35619721 (cited by Genomenon, Inc); 20016463 (cited by Genomenon, Inc); 32640035 (cited by Genomenon, Inc); PubMed 15917334 (cited by Labcorp Genetics (formerly Invitae), Labcorp); PubMed 16621965 (cited by Labcorp Genetics (formerly Invitae), Labcorp); PubMed 19065647 (cited by Labcorp Genetics (formerly Invitae), Labcorp); PubMed 20016463 (cited by Labcorp Genetics (formerly Invitae), Labcorp and Mayo Clinic Laboratories, Mayo Clinic); PubMed 22710145 (cited by Labcorp Genetics (formerly Invitae), Labcorp); PubMed 29500241 (cited by Mayo Clinic Laboratories, Mayo Clinic).